The following is an entry in ClinVar:

ClinVar aggregate classification (germline): Benign. Review status: criteria provided, multiple submitters, no conflicts (2 of 4 stars). 2 submissions from 2 submitters: Benign (2). Last evaluated 2018-01-13.

Conditions:
Epidermolysis bullosa simplex due to plakophilin deficiency. Also called: MCGRATH SYNDROME. Identifiers: Orphanet 158668, MedGen C1858302, MONDO:0011472, OMIM 604536.

Allele frequency attached by ClinVar (database versions not stated): 1000 Genomes Project 30x 0.94363; TOPMed 0.94426; 1000 Genomes Project 0.94669; gnomAD 0.94721 and 0.95046; gnomAD exomes 1.00000.
gnomAD v4.1: 144,861 of 152,330 alleles (95%); highest among the groups gnomAD compares: East Asian, 100%; 69,250 homozygotes.

Submissions (2):

Illumina Laboratory Services, Illumina
Classification: Benign for Epidermolysis bullosa simplex due to plakophilin deficiency. Last evaluated: 2018-01-13. Review status: criteria provided, single submitter. Criteria: ICSL Variant Classification Criteria 13 December 2019. Collection method: clinical testing. Allele origin: germline.
Comment: This variant was observed in the ICSL laboratory as part of a predisposition screen in an ostensibly healthy population. It had not been previously curated by ICSL or reported in the Human Gene Mutation Database (HGMD: prior to June 1st, 2018), and was therefore a candidate for classification through an automated scoring system. Utilizing variant allele frequency, disease prevalence and penetrance estimates, and inheritance mode, an automated score was calculated to assess if this variant is too frequent to cause the disease. Based on the score and internal cut-off values, a variant classified as benign is not then subjected to further curation. The score for this variant resulted in a classification of benign for this disease.

Breakthrough Genomics
Classification: Benign. Review status: criteria provided, single submitter. Criteria: ACMG Guidelines, 2015. Collection method: not provided. Allele origin: germline. Inheritance: Autosomal recessive inheritance. Affected: yes.

NM_001005337.3(PKP1):c.*1689C>A

Gene: PKP1 (plakophilin 1; plus strand). Cytogenetic location: 1q32.1.
Variant type: single nucleotide variant.
Coding change: c.*1689C>A on transcript NM_001005337.3 (MANE Select); 1689 bases downstream of the stop codon, C replaced by A.
Molecular consequence: 3 prime UTR variant.
Genome position (GRCh38, 1-based): chr1:201,331,730, C>A. VCF-style: chr1-201331730-C-A. GRCh37 (hg19) VCF-style: chr1-201300858-C-A.
Other names: c.*1689C>A (NM_000299.4).
Identifiers: ClinVar variation 294872 (VCV000294872.6), dbSNP rs10800772, ClinGen allele CA10608794.
Genomic context (GRCh38, chr1:201,331,730, plus strand): 5'-CCCCAGCATTCAGGCTGGAAAACACTGATGTGGACTCAGTATGATAACTGAGATGGGGGA[C>A]GCCAGACATGTGAGGACGCTGTCCTCCGAGAGGTGTCCCCGGCTGTTAGCCAGCTGTGCT-3'